The following is an entry in ClinVar:

NM_000260.4(MYO7A):c.2113T>G (p.Cys705Gly)

Gene: MYO7A (myosin VIIA; plus strand). Cytogenetic location: 11q13.5.
Variant type: single nucleotide variant.
Coding change: c.2113T>G on transcript NM_000260.4 (MANE Select); coding-DNA position 2113, T replaced by G.
Protein change: p.Cys705Gly; replaces cysteine 705 with glycine.
Molecular consequence: missense variant.
Genome position (GRCh38, 1-based): chr11:77,175,390, T>G. VCF-style: chr11-77175390-T-G. GRCh37 (hg19) VCF-style: chr11-76886436-T-G.
Other names: c.2113T>G, p.Cys705Gly (NM_001127180.2); c.2080T>G, p.Cys694Gly (NM_001369365.1); c.2113T>G (NM_000260.3); short protein forms C694G, C705G.
Identifiers: ClinVar variation 2173846 (VCV002173846.2), dbSNP rs782468548, ClinGen allele CA6197710.

ClinVar aggregate classification (germline): Uncertain significance. Review status: criteria provided, multiple submitters, no conflicts (2 of 4 stars). 2 submissions from 2 submitters: Uncertain significance (2). Last evaluated 2022-09-29.

Conditions:
Inborn genetic diseases. Identifiers: MedGen C0950123, MeSH D030342.

Allele frequency attached by ClinVar (database versions not stated): ExAC 0.00001; gnomAD 0.00001; gnomAD exomes 0.00002; TOPMed 0.00002.
gnomAD v4.1: 32 of 1,613,180 alleles (0.002%); highest among the groups gnomAD compares: African/African-American, 0.0027%; no homozygotes.

Submissions (2):

Labcorp Genetics (formerly Invitae), Labcorp
Classification: Uncertain significance. Last evaluated: 2022-09-29. Review status: criteria provided, single submitter. Criteria: Invitae Variant Classification Sherloc (09022015). Collection method: clinical testing. Allele origin: germline.
Comment: This sequence change replaces cysteine, which is neutral and slightly polar, with glycine, which is neutral and non-polar, at codon 705 of the MYO7A protein (p.Cys705Gly). This variant is present in population databases (rs782468548, gnomAD 0.007%). This variant has not been reported in the literature in individuals affected with MYO7A-related conditions. Advanced modeling of protein sequence and biophysical properties (such as structural, functional, and spatial information, amino acid conservation, physicochemical variation, residue mobility, and thermodynamic stability) performed at Invitae indicates that this missense variant is expected to disrupt MYO7A protein function. In summary, the available evidence is currently insufficient to determine the role of this variant in disease. Therefore, it has been classified as a Variant of Uncertain Significance.

Ambry Genetics
Classification: Uncertain significance for Inborn genetic diseases. Last evaluated: 2021-08-02. Review status: criteria provided, single submitter. Criteria: Ambry Variant Classification Scheme 2023. Collection method: clinical testing. Allele origin: germline.